The following is an entry in ClinVar:

NM_003072.5(SMARCA4):c.1468C>T (p.His490Tyr)

Gene: SMARCA4 (SWI/SNF related BAF chromatin remodeling complex subunit ATPase 4; plus strand). Cytogenetic location: 19p13.2.
Variant type: single nucleotide variant.
Coding change: c.1468C>T on transcript NM_003072.5 (MANE Select); coding-DNA position 1468, C replaced by T.
Protein change: p.His490Tyr; replaces histidine 490 with tyrosine.
Molecular consequence: missense variant. On other transcripts: non-coding transcript variant (1).
Genome position (GRCh38, 1-based): chr19:10,994,876, C>T. VCF-style: chr19-10994876-C-T. GRCh37 (hg19) VCF-style: chr19-11105552-C-T.
Other names: c.1468C>T, p.His490Tyr (NM_001128844.3, NM_001128845.2, NM_001128846.2 and 6 more transcripts); short protein forms H490Y.
Identifiers: ClinVar variation 4170137 (VCV004170137.1).
Genomic context (GRCh38, chr19:10,994,876, plus strand): 5'-GCTTTCCTGCAGGAATACCTCAATAGCATTCTCCAGCATGCCAAGGATTTCAAGGAATAT[C>T]ACAGATCCGTCACAGGCAAAATCCAGAAGCTGACCAAGGCAGTGGCCACGTACCATGCCA-3'
Protein context (NP_003063.2, residues 480-500): LQHAKDFKEY[His490Tyr]RSVTGKIQKL

ClinVar aggregate classification (germline): Uncertain significance (1 of 4 stars; one submission).

Conditions:
Hereditary cancer-predisposing syndrome. Also called: Neoplastic Syndromes, Hereditary; Tumor predisposition; Hereditary Cancer Syndrome; Hereditary neoplastic syndrome. Identifiers: Orphanet 140162, MedGen C0027672, MeSH D009386, MONDO:0015356.

Submission:

Ambry Genetics
Classification: Uncertain significance for Hereditary cancer-predisposing syndrome. Last evaluated: 2025-07-03. Review status: criteria provided, single submitter. Criteria: Ambry Variant Classification Scheme 2023. Collection method: clinical testing. Allele origin: germline.
Comment: The p.H490Y variant (also known as c.1468C>T), located in coding exon 8 of the SMARCA4 gene, results from a C to T substitution at nucleotide position 1468. The histidine at codon 490 is replaced by tyrosine, an amino acid with similar properties. This amino acid position is highly conserved in available vertebrate species. In addition, the in silico prediction for this alteration is inconclusive. Based on the available evidence, the clinical significance of this variant remains unclear.